The following is an entry in ClinVar:

ClinVar aggregate classification (germline): Uncertain significance (1 of 4 stars; one submission).

Conditions:
KIF1A-related disorder. Also called: KIF1A-related disorders; KIF1A-related condition.

Submission:

PreventionGenetics, part of Exact Sciences
Classification: Uncertain significance for KIF1A-related condition. Last evaluated: 2025-08-24. Review status: criteria provided, single submitter. Criteria: ACMG Guidelines, 2015. Collection method: clinical testing. Allele origin: germline.
Comment: The KIF1A c.817A>G variant is predicted to result in the amino acid substitution p.Lys273Glu. To our knowledge, this variant has not been reported in the literature or in a large population database (gnomAD), indicating this variant is rare. At this time, the clinical significance of this variant is uncertain due to the absence of conclusive functional and genetic evidence.

NM_001244008.2(KIF1A):c.817A>G (p.Lys273Glu)

Gene: KIF1A (kinesin family member 1A; minus strand). Cytogenetic location: 2q37.3.
Variant type: single nucleotide variant.
Coding change: c.817A>G on transcript NM_001244008.2 (MANE Select); coding-DNA position 817, A replaced by G.
Protein change: p.Lys273Glu; replaces lysine 273 with glutamic acid.
Molecular consequence: missense variant.
Genome position (GRCh38, 1-based): chr2:240,783,091, T>C on the plus strand (A>G on the coding strand, the complement: KIF1A is on the minus strand). VCF-style: chr2-240783091-T-C. GRCh37 (hg19) VCF-style: chr2-241722508-T-C.
Other names: c.817A>G, p.Lys273Glu (NM_001320705.2, NM_001330289.2, NM_001330290.2 and 20 more transcripts); short protein forms K273E.
Identifiers: ClinVar variation 4994246 (VCV004994246.1).